The following is an entry in ClinVar:

NM_001999.4(FBN2):c.6883C>G (p.Leu2295Val)

Gene: FBN2 (fibrillin 2; minus strand). Cytogenetic location: 5q23.3.
Variant type: single nucleotide variant.
Coding change: c.6883C>G on transcript NM_001999.4 (MANE Select); coding-DNA position 6883, C replaced by G.
Protein change: p.Leu2295Val; replaces leucine 2295 with valine.
Molecular consequence: missense variant.
Genome position (GRCh38, 1-based): chr5:128,286,847, G>C on the plus strand (C>G on the coding strand, the complement: FBN2 is on the minus strand). VCF-style: chr5-128286847-G-C. GRCh37 (hg19) VCF-style: chr5-127622539-G-C.
Other names: short protein forms L2295V.
Identifiers: ClinVar variation 3346770 (VCV003346770.1).

ClinVar aggregate classification (germline): Uncertain significance (0 of 4 stars; one submission).

Conditions:
FBN2-related disorder. Also called: FBN2-related condition.

Submission:

PreventionGenetics, part of Exact Sciences
Classification: Uncertain significance for FBN2-related condition. Last evaluated: 2024-05-21. Review status: no assertion criteria provided. Collection method: clinical testing. Allele origin: germline.
Comment: The FBN2 c.6883C>G variant is predicted to result in the amino acid substitution p.Leu2295Val. To our knowledge, this variant has not been reported in the literature or in a large population database, indicating this variant is rare. At this time, the clinical significance of this variant is uncertain due to the absence of conclusive functional and genetic evidence.